The following is an entry in ClinVar:

NM_000214.3(JAG1):c.2739C>T (p.Ser913=)

Gene: JAG1 (jagged canonical Notch ligand 1; minus strand). Cytogenetic location: 20p12.2.
Variant type: single nucleotide variant.
Coding change: c.2739C>T on transcript NM_000214.3 (MANE Select); coding-DNA position 2739, C replaced by T.
Protein change: p.Ser913=; no amino-acid change (serine 913 retained).
Molecular consequence: synonymous variant.
Genome position (GRCh38, 1-based): chr20:10,641,637, G>A on the plus strand (C>T on the coding strand, the complement: JAG1 is on the minus strand). VCF-style: chr20-10641637-G-A. GRCh37 (hg19) VCF-style: chr20-10622285-G-A.
Other names: c.2739C>T, p.Ser913= (LRG_1191t1).
Identifiers: ClinVar variation 500514 (VCV000500514.23), dbSNP rs766479402, ClinGen allele CA9764403.

ClinVar aggregate classification (germline): Conflicting classifications of pathogenicity. Review status: criteria provided, conflicting classifications (1 of 4 stars). 6 submissions from 6 submitters: Uncertain significance (2); Likely benign (4). Last evaluated 2025-12-05.

Conditions:
Isolated Nonsyndromic Congenital Heart Disease.
JAG1-related disorder. Also called: JAG1-related disorders; JAG1-related condition.
Cardiovascular phenotype. Identifiers: MedGen CN230736.
Alagille syndrome due to a JAG1 point mutation. Also called: HEPATIC DUCTULAR HYPOPLASIA, SYNDROMATIC; JAG1-Related Alagille Syndrome; Alagille Syndrome 1. Identifiers: Orphanet 261619, Orphanet 52, MedGen C1956125, MONDO:0016862, OMIM 118450.

Allele frequency attached by ClinVar (database versions not stated): gnomAD 0.00001 and 0.00002; ExAC 0.00002; gnomAD exomes 0.00003 and 0.00005; TOPMed 0.00004.
gnomAD v4.1: 47 of 1,613,752 alleles (0.0029%); highest among the groups gnomAD compares: Admixed American, 0.012%; no homozygotes.

Submissions (6):

PreventionGenetics, part of Exact Sciences
Classification: Likely benign for JAG1-related condition. Last evaluated: 2025-12-05. Review status: criteria provided, single submitter. Criteria: ACMG Guidelines, 2015. Collection method: clinical testing. Allele origin: germline.
Comment: This variant is classified as likely benign based on ACMG/AMP sequence variant interpretation guidelines (Richards et al. 2015 PMID: 25741868, with internal and published modifications).

Labcorp Genetics (formerly Invitae), Labcorp
Classification: Likely benign for Alagille syndrome due to a JAG1 point mutation. Last evaluated: 2025-09-15. Review status: criteria provided, single submitter. Criteria: Invitae Variant Classification Sherloc (09022015). Collection method: clinical testing. Allele origin: germline.

Blueprint Genetics
Classification: Likely benign. Last evaluated: 2024-06-19. Review status: criteria provided, single submitter. Criteria: ACMG Guidelines, 2015. Collection method: clinical testing. Allele origin: germline.

Ambry Genetics
Classification: Likely benign for Cardiovascular phenotype. Last evaluated: 2019-12-30. Review status: criteria provided, single submitter. Criteria: Ambry Variant Classification Scheme 2023. Collection method: clinical testing. Allele origin: germline.

Illumina Laboratory Services, Illumina
Classification: Uncertain significance for Isolated Nonsyndromic Congenital Heart Disease. Last evaluated: 2017-04-27. Review status: criteria provided, single submitter. Criteria: ICSL Variant Classification Criteria 13 December 2019. Collection method: clinical testing. Allele origin: germline.

Eurofins Ntd Llc (ga)
Classification: Uncertain significance. Last evaluated: 2017-02-28. Review status: criteria provided, single submitter. Criteria: EGL Classification Definitions 2015. Collection method: clinical testing. Allele origin: germline. Observed: 1 variant allele, 1 heterozygote.